The following is an entry in ClinVar:

NM_024854.5(PYROXD1):c.1455AGA[1] (p.Glu486del)

Gene: PYROXD1 (pyridine nucleotide-disulphide oxidoreductase domain 1; plus strand). Cytogenetic location: 12p12.1.
Variant type: Microsatellite.
Coding change: c.1455AGA[1] on transcript NM_024854.5 (MANE Select); one copy of the 3-base unit AGA starting at c.1455; the reference has two copies in a row; one copy, 3 bases deleted.
Protein change: p.Glu486del; deletes glutamic acid 486.
Molecular consequence: inframe deletion.
Genome position (GRCh38, 1-based): chr12:21,468,709-21,468,711, AGA deleted; deleting any 3 consecutive bases within chr12:21,468,706-21,468,711 gives the same sequence; the position shown is the placement nearest the transcript's 3' end. VCF-style (leftmost placement, unchanged base first): chr12-21468705-GAGA-G. GRCh37 (hg19) VCF-style: chr12-21621639-GAGA-G.
Other names: c.1242AGA[1], p.Glu415del (NM_001350912.2); c.678AGA[1], p.Glu227del (NM_001350913.2); short protein forms E227del, E486del, E415del.
Identifiers: ClinVar variation 1975351 (VCV001975351.3), dbSNP rs759115867, ClinGen allele CA6478557.

ClinVar aggregate classification (germline): Uncertain significance (1 of 4 stars; one submission).

Submission:

Labcorp Genetics (formerly Invitae), Labcorp
Classification: Uncertain significance. Last evaluated: 2022-02-21. Review status: criteria provided, single submitter. Criteria: Invitae Variant Classification Sherloc (09022015). Collection method: clinical testing. Allele origin: germline.
Comment: In summary, the available evidence is currently insufficient to determine the role of this variant in disease. Therefore, it has been classified as a Variant of Uncertain Significance. Experimental studies and prediction algorithms are not available or were not evaluated, and the functional significance of this variant is currently unknown. This variant has not been reported in the literature in individuals affected with PYROXD1-related conditions. This variant is present in population databases (rs759115867, gnomAD 0.006%). This variant, c.1458_1460del, results in the deletion of 1 amino acid(s) of the PYROXD1 protein (p.Glu486del), but otherwise preserves the integrity of the reading frame.